The following is an entry in ClinVar:

NM_003718.5(CDK13):c.2747C>T (p.Ala916Val)

Gene: CDK13 (cyclin dependent kinase 13; plus strand). Cytogenetic location: 7p14.1.
Variant type: single nucleotide variant.
Coding change: c.2747C>T on transcript NM_003718.5 (MANE Select); coding-DNA position 2747, C replaced by T.
Protein change: p.Ala916Val; replaces alanine 916 with valine.
Molecular consequence: missense variant.
Genome position (GRCh38, 1-based): chr7:40,063,067, C>T. VCF-style: chr7-40063067-C-T. GRCh37 (hg19) VCF-style: chr7-40102666-C-T.
Other names: c.2747C>T, p.Ala916Val (NM_031267.4); short protein forms A916V.
Identifiers: ClinVar variation 3385327 (VCV003385327.2).
Genomic context (GRCh38, chr7:40,063,067, plus strand): 5'-GTATTTTTTCCATTAGCTGTATCCTTGGCGAACTCTTCACTAAAAAACCTATATTTCAAG[C>T]AAATCAGGAACTTGCACAACTAGAATTAATAAGGTAAGCTGCTGATTATAATATTGGTGG-3'
Protein context (NP_003709.3, residues 906-926): ELFTKKPIFQ[Ala916Val]NQELAQLELI

ClinVar aggregate classification (germline): Uncertain significance (1 of 4 stars; one submission).

Conditions:
Congenital heart defects, dysmorphic facial features, and intellectual developmental disorder (CHDFIDD). Identifiers: Orphanet 646278, MedGen C4479246, MONDO:0044302, OMIM 617360.

Submission:

Institute of Human Genetics, University of Goettingen
Classification: Uncertain significance for Congenital heart defects, dysmorphic facial features, and intellectual developmental disorder. Last evaluated: 2024-12-03. Review status: criteria provided, single submitter. Criteria: ACMG Guidelines, 2015. Collection method: clinical testing. Allele origin: de novo. Inheritance: Sporadic. Observed: 1 heterozygote.
Comment: The variant c.2747C>T (p.(Ala916Val)) in exon 9 of the CDK13-gene is not found in the gnomAD database, it affects a highly conserved nucleotide, and a highly conserved amino acid and there is a small physicochemical difference between Ala and Val. In silico prediction algorithms show an ambiguous effect of this variant regarding protein function. ACMG criteria used for classification: PS2, PM2_SUP.